The following is an entry in ClinVar:

ClinVar aggregate classification (germline): Uncertain significance (1 of 4 stars; one submission).

Conditions:
Cardiovascular phenotype. Identifiers: MedGen CN230736.

Allele frequency attached by ClinVar (database versions not stated): ExAC 0.00001.

Submission:

Ambry Genetics
Classification: Uncertain significance for Cardiovascular phenotype. Last evaluated: 2021-12-16. Review status: criteria provided, single submitter. Criteria: Ambry Variant Classification Scheme 2023. Collection method: clinical testing. Allele origin: germline.
Comment: The p.P127R variant (also known as c.380C>G), located in coding exon 1 of the TNXB gene, results from a C to G substitution at nucleotide position 380. The proline at codon 127 is replaced by arginine, an amino acid with dissimilar properties. This amino acid position is conserved. In addition, this alteration is predicted to be tolerated by in silico analysis. Since supporting evidence is limited at this time, the clinical significance of this alteration remains unclear.

NM_001365276.2(TNXB):c.380C>G (p.Pro127Arg)

Gene: TNXB (tenascin XB; minus strand). Cytogenetic location: 6p21.33.
Variant type: single nucleotide variant.
Coding change: c.380C>G on transcript NM_001365276.2 (MANE Select); coding-DNA position 380, C replaced by G.
Protein change: p.Pro127Arg; replaces proline 127 with arginine.
Molecular consequence: missense variant.
Genome position (GRCh38, 1-based): chr6:32,097,819, G>C on the plus strand (C>G on the coding strand, the complement: TNXB is on the minus strand). VCF-style: chr6-32097819-G-C. GRCh37 (hg19) VCF-style: chr6-32065596-G-C.
Other names: c.380C>G, p.Pro127Arg (NM_019105.8); short protein forms P127R.
Identifiers: ClinVar variation 1735132 (VCV001735132.2), dbSNP rs776915229, ClinGen allele CA3735863.